The following is an entry in ClinVar:

NM_004977.3(KCNC3):c.981C>T (p.Ser327=)

Gene: KCNC3 (potassium voltage-gated channel subfamily C member 3; minus strand). Cytogenetic location: 19q13.33.
Variant type: single nucleotide variant.
Coding change: c.981C>T on transcript NM_004977.3 (MANE Select); coding-DNA position 981, C replaced by T.
Protein change: p.Ser327=; no amino-acid change (serine 327 retained).
Molecular consequence: synonymous variant.
Genome position (GRCh38, 1-based): chr19:50,323,972, G>A on the plus strand (C>T on the coding strand, the complement: KCNC3 is on the minus strand). VCF-style: chr19-50323972-G-A. GRCh37 (hg19) VCF-style: chr19-50827229-G-A.
Other names: c.753C>T, p.Ser251= (NM_001372305.1).
Identifiers: ClinVar variation 2650325 (VCV002650325.24), dbSNP rs2513799924, ClinGen allele CA508303299.

ClinVar aggregate classification (germline): Likely benign (1 of 4 stars; one submission).

Allele frequency attached by ClinVar (database versions not stated): gnomAD exomes below 0.00001.
gnomAD v4.1: 4 of 1,613,484 alleles (0.00025%); highest among the groups gnomAD compares: Non-Finnish European, 0.00025%; no homozygotes.

Submission:

CeGaT Center for Human Genetics Tuebingen
Classification: Likely benign. Last evaluated: 2022-06-01. Review status: criteria provided, single submitter. Criteria: CeGaT Center For Human Genetics Tuebingen Variant Classification Criteria Version 2. Collection method: clinical testing. Allele origin: germline. Affected: yes. Observed: 1 variant allele.
Comment: KCNC3: PM2:Supporting, BP4, BP7